The following is an entry in ClinVar:

ClinVar aggregate classification (germline): Uncertain significance (1 of 4 stars; one submission).

Submission:

GeneDx
Classification: Uncertain significance. Last evaluated: 2025-04-03. Review status: criteria provided, single submitter. Criteria: GeneDx Variant Classification Process June 2021. Collection method: clinical testing. Allele origin: germline. Affected: yes.
Comment: Not observed at significant frequency in large population cohorts (gnomAD); In silico analysis supports that this missense variant has a deleterious effect on protein structure/function; Has not been previously published as pathogenic or benign to our knowledge

NM_016263.4(FZR1):c.865C>T (p.Arg289Cys)

Gene: FZR1 (fizzy and cell division cycle 20 related 1; plus strand). Cytogenetic location: 19p13.3.
Variant type: single nucleotide variant.
Coding change: c.865C>T on transcript NM_016263.4 (MANE Select); coding-DNA position 865, C replaced by T.
Protein change: p.Arg289Cys; replaces arginine 289 with cysteine.
Molecular consequence: missense variant.
Genome position (GRCh38, 1-based): chr19:3,531,952, C>T. VCF-style: chr19-3531952-C-T. GRCh37 (hg19) VCF-style: chr19-3531950-C-T.
Other names: c.598C>T, p.Arg200Cys (NM_001136197.1); c.865C>T, p.Arg289Cys (NM_001136198.1); short protein forms R200C, R289C.
Identifiers: ClinVar variation 4278811 (VCV004278811.1).